The following is an entry in ClinVar:

NM_001220.5(CAMK2B):c.523G>T (p.Ala175Ser)

Gene: CAMK2B (calcium/calmodulin dependent protein kinase II beta; minus strand). Cytogenetic location: 7p13.
Variant type: single nucleotide variant.
Coding change: c.523G>T on transcript NM_001220.5 (MANE Select); coding-DNA position 523, G replaced by T.
Protein change: p.Ala175Ser; replaces alanine 175 with serine.
Molecular consequence: missense variant.
Genome position (GRCh38, 1-based): chr7:44,243,328, C>A on the plus strand (G>T on the coding strand, the complement: CAMK2B is on the minus strand). VCF-style: chr7-44243328-C-A. GRCh37 (hg19) VCF-style: chr7-44282927-C-A.
Other names: c.523G>T, p.Ala175Ser (NM_001293170.2, NM_172078.3, NM_172079.3 and 5 more transcripts); short protein forms A175S.
Identifiers: ClinVar variation 2446094 (VCV002446094.1), dbSNP rs2096699885, ClinGen allele CA367365851.

ClinVar aggregate classification (germline): Uncertain significance (1 of 4 stars; one submission).

Submission:

GeneDx
Classification: Uncertain significance. Last evaluated: 2022-09-21. Review status: criteria provided, single submitter. Criteria: GeneDx Variant Classification Process June 2021. Collection method: clinical testing. Allele origin: germline. Affected: yes.
Comment: Not observed at significant frequency in large population cohorts (gnomAD); In silico analysis supports that this missense variant has a deleterious effect on protein structure/function; Has not been previously published as pathogenic or benign to our knowledge